The following is an entry in ClinVar:

ClinVar aggregate classification (germline): Likely benign (1 of 4 stars; one submission).

Allele frequency attached by ClinVar (database versions not stated): 1000 Genomes Project 0.02935; 1000 Genomes Project 30x 0.02998; gnomAD 0.03287 and 0.03341; TOPMed 0.03494.
gnomAD v4.1: 5,142 of 152,090 alleles (3.4%); highest among the groups gnomAD compares: Middle Eastern, 11%; 116 homozygotes.

Submission:

GeneDx
Classification: Likely benign. Last evaluated: 2018-06-19. Review status: criteria provided, single submitter. Criteria: GeneDx Variant Classification (06012015). Collection method: clinical testing. Allele origin: germline. Affected: yes.
Comment: This variant is considered likely benign or benign based on one or more of the following criteria: it is a conservative change, it occurs at a poorly conserved position in the protein, it is predicted to be benign by multiple in silico algorithms, and/or has population frequency not consistent with disease.

NM_001843.4(CNTN1):c.2823+244G>A

Gene: CNTN1 (contactin 1; plus strand). Cytogenetic location: 12q12.
Variant type: single nucleotide variant.
Coding change: c.2823+244G>A on transcript NM_001843.4 (MANE Select); 244 bases into the intron after coding-DNA position 2823, G replaced by A.
Molecular consequence: intron variant.
Genome position (GRCh38, 1-based): chr12:41,028,213, G>A. VCF-style: chr12-41028213-G-A. GRCh37 (hg19) VCF-style: chr12-41422015-G-A.
Other names: c.2790+244G>A (NM_175038.2).
Identifiers: ClinVar variation 679924 (VCV000679924.1), dbSNP rs55639255, ClinGen allele CA235948840.